The following is an entry in ClinVar:

NM_207122.2(EXT2):c.1393C>T (p.Arg465Ter)

Genes: EXT2 (exostosin glycosyltransferase 2; plus strand), LOC126861201 (MED14-independent group 3 enhancer GRCh37_chr11:44218806-44220005; plus strand). Cytogenetic location: 11p11.2.
Variant type: single nucleotide variant.
Coding change: c.1393C>T on transcript NM_207122.2 (MANE Select); coding-DNA position 1393, C replaced by T.
Protein change: p.Arg465Ter; replaces arginine 465 with a stop codon.
Molecular consequence: nonsense.
Genome position (GRCh38, 1-based): chr11:44,197,916, C>T. VCF-style: chr11-44197916-C-T. GRCh37 (hg19) VCF-style: chr11-44219466-C-T.
Other names: c.1492C>T, p.Arg498Ter (NM_000401.3); c.1423C>T, p.Arg475Ter (NM_001178083.3); c.1393C>T, p.Arg465Ter (NM_001389628.1, NM_001389630.1); short protein forms R498*, R465*, R475*.
Identifiers: ClinVar variation 580003 (VCV000580003.27), dbSNP rs772690312, ClinGen allele CA5955250.
Genomic context (GRCh38, chr11:44,197,916, plus strand): 5'-TTCCTCCCGCTGATCCCACCACAGTCTCAAGGGTTCACCGCCATAGTCCTCACCTACGAC[C>T]GAGTAGAGAGCCTCTTCCGGGTCATCACTGAAGTGTCCAAGGTGCCCAGTCTATCCAAAC-3'

ClinVar aggregate classification (germline): Conflicting classifications of pathogenicity. Review status: criteria provided, conflicting classifications (1 of 4 stars). 8 submissions from 8 submitters: Pathogenic (4); Likely pathogenic (1); Uncertain significance (3). Last evaluated 2025-09-10.

Conditions:
Exostoses, multiple, type 2 (EXT2). Also called: EXOSTOSES, MULTIPLE, TYPE II; Hereditary Multiple Osteochondromatosis, Type II. Identifiers: Orphanet 321, MedGen C1851413, MONDO:0007586, OMIM 133701.
Seizures-scoliosis-macrocephaly syndrome. Also called: SEIZURES, SCOLIOSIS, AND MACROCEPHALY/MICROCEPHALY SYNDROME; Seizures, scoliosis, and macrocephaly syndrome. Identifiers: Orphanet 466926, MedGen C4225248, MONDO:0014731, OMIM 616682.

Allele frequency attached by ClinVar (database versions not stated): ExAC 0.00001; gnomAD exomes 0.00001; gnomAD 0.00002 and 0.00003; TOPMed 0.00002.
gnomAD v4.1: 23 of 1,614,068 alleles (0.0014%); highest among the groups gnomAD compares: Middle Eastern, 0.017%; no homozygotes.

Submissions (8):

Genomic Medicine Center of Excellence, King Faisal Specialist Hospital and Research Centre
Classification: Pathogenic for Exostoses, multiple, type 2. Last evaluated: 2025-09-10. Review status: criteria provided, single submitter. Criteria: ACMG Guidelines, 2015. Collection method: clinical testing. Allele origin: germline.

Labcorp Genetics (formerly Invitae), Labcorp
Classification: Uncertain significance for Exostoses, multiple, type 2. Last evaluated: 2025-04-21. Review status: criteria provided, single submitter. Criteria: Invitae Variant Classification Sherloc (09022015). Collection method: clinical testing. Allele origin: germline.
Comment: This sequence change creates a premature translational stop signal (p.Arg465*) in the EXT2 gene. It is expected to result in an absent or disrupted protein product. Loss-of-function variants in EXT2 are known to be pathogenic (PMID: 10679937, 19810120). The frequency data for this variant in the population databases is considered unreliable, as metrics indicate poor data quality at this position in the gnomAD database. This variant has not been reported in the literature in individuals affected with EXT2-related conditions. ClinVar contains an entry for this variant (Variation ID: 580003). In summary, the available evidence is currently insufficient to determine the role of this variant in disease. Therefore, it has been classified as a Variant of Uncertain Significance.

Revvity Omics, Revvity
Classification: Likely pathogenic. Last evaluated: 2024-12-20. Review status: criteria provided, single submitter. Criteria: ACMG Guidelines, 2015. Collection method: clinical testing. Allele origin: germline.

Institute for Genomic Medicine (IGM) Clinical Laboratory, Nationwide Children's Hospital
Classification: Uncertain significance for Exostoses, multiple, type 2. Last evaluated: 2024-05-09. Review status: criteria provided, single submitter. Criteria: ACMG Guidelines, 2015. Collection method: clinical testing. Allele origin: germline.
Comment: This variant is predicted to result in loss of function through nonsense-mediated decay of the encoded transcript or premature truncation of the encoded protein in a gene in which loss of function is a known mechanism of disease (ACMG/AMP: PVS1; PMIDs:10679937, 29529714). This variant has an allele frequency that is greater than expected for the associated disease (ACMG/AMP: BS1).

Baylor Genetics
Classification: Uncertain significance for Exostoses, multiple, type 2. Last evaluated: 2023-09-06. Review status: criteria provided, single submitter. Criteria: ACMG Guidelines, 2015. Collection method: clinical testing. Allele origin: unknown.

Victorian Clinical Genetics Services, Murdoch Childrens Research Institute
Classification: Pathogenic for Exostoses, multiple, type 2. Last evaluated: 2022-03-31. Review status: criteria provided, single submitter. Criteria: ACMG Guidelines, 2015. Collection method: clinical testing. Allele origin: germline. Inheritance: Autosomal dominant inheritance. Affected: no.
Comment: Based on the classification scheme VCGS_Germline_v1.3.4, this variant is classified as Pathogenic. Following criteria are met: 0102 - Loss of function is a known mechanism of disease in this gene and is associated with autosomal dominant exostoses, multiple, type 2 (MIM#133701) and autosomal recessive seizures, scoliosis, and macrocephaly syndrome (MIM#616682). (I) 0108 - This gene is associated with both recessive and dominant disease (OMIM). (I) 0115 - Variants in this gene are known to have variable expressivity (PMID: 31096510). (I) 0201 - Variant is predicted to cause nonsense-mediated decay (NMD) and loss of protein (premature termination codon is located at least 54 nucleotides upstream of the final exon-exon junction). (SP) 0251 - This variant is heterozygous. (I) 0304 - Variant is present in gnomAD <0.01 (v2: 4 heterozygotes, 0 homozygotes). (SP) 0701 - Other NMD-predicted variants comparable to the one identified in this case have very strong previous evidence for pathogenicity (DECIPHER, ClinVar). (SP) 0802 - This variant has moderate previous evidence of pathogenicity in unrelated individuals. It has been identified in at least three individuals and classified as pathogenic by diagnostic laboratories in ClinVar. (SP) 0905 - No published segregation evidence has been identified for this variant. (I) 1007 - No published functional evidence has been identified for this variant. (I) 1208 - Inheritance information for this variant is not currently available in this individual. (I) Legend: (SP) - Supporting pathogenic, (I) - Information, (SB) - Supporting benign

Genomic Research Center, Shahid Beheshti University of Medical Sciences
Classification: Pathogenic. Last evaluated: 2020-05-03. Review status: criteria provided, single submitter. Criteria: ACMG Guidelines, 2015. Collection method: clinical testing. Allele origin: unknown. Affected: yes.

Fulgent Genetics
Classification: Pathogenic for Exostoses, multiple, type 2; Seizures-scoliosis-macrocephaly syndrome. Last evaluated: 2018-10-31. Review status: criteria provided, single submitter. Criteria: ACMG Guidelines, 2015. Collection method: clinical testing. Allele origin: unknown.

Literature cited by the submitters: PubMed 10679937 (cited by Labcorp Genetics (formerly Invitae), Labcorp and Institute for Genomic Medicine (IGM) Clinical Laboratory, Nationwide Children's Hospital); PubMed 19810120 (cited by Labcorp Genetics (formerly Invitae), Labcorp); PubMed 29529714 (cited by Institute for Genomic Medicine (IGM) Clinical Laboratory, Nationwide Children's Hospital); PubMed 31096510 (cited by Victorian Clinical Genetics Services, Murdoch Childrens Research Institute).